The following is an entry in ClinVar:

ClinVar aggregate classification (germline): Pathogenic. Review status: criteria provided, multiple submitters, no conflicts (2 of 4 stars). 2 submissions from 2 submitters: Pathogenic (2). Last evaluated 2025-07-23.

Conditions:
Ataxia-telangiectasia syndrome (AT). Also called: LOUIS-BAR SYNDROME; Cerebello-oculocutaneous telangiectasia; Immunodeficiency with ataxia telangiectasia; Ataxia-telangiectasia, complementation group E; Ataxia-telangiectasia, complementation group D; AT, COMPLEMENTATION GROUP C. Identifiers: Orphanet 100, MedGen C0004135, MONDO:0008840, OMIM 208900.
Hereditary cancer-predisposing syndrome. Also called: Hereditary Cancer Syndrome; Hereditary neoplastic syndrome; Neoplastic Syndromes, Hereditary; Tumor predisposition. Identifiers: Orphanet 140162, MedGen C0027672, MeSH D009386, MONDO:0015356.

Submissions (2):

Labcorp Genetics (formerly Invitae), Labcorp
Classification: Pathogenic for Ataxia-telangiectasia syndrome. Last evaluated: 2025-07-23. Review status: criteria provided, single submitter. Criteria: Invitae Variant Classification Sherloc (09022015). Collection method: clinical testing. Allele origin: germline.
Comment: This sequence change creates a premature translational stop signal (p.Glu2676*) in the ATM gene. It is expected to result in an absent or disrupted protein product. Loss-of-function variants in ATM are known to be pathogenic (PMID: 23807571, 25614872). This variant is not present in population databases (gnomAD no frequency). This variant has not been reported in the literature in individuals affected with ATM-related conditions. ClinVar contains an entry for this variant (Variation ID: 2568180). For these reasons, this variant has been classified as Pathogenic.

Ambry Genetics
Classification: Pathogenic for Hereditary cancer-predisposing syndrome. Last evaluated: 2023-04-14. Review status: criteria provided, single submitter. Criteria: Ambry Variant Classification Scheme 2023. Collection method: clinical testing. Allele origin: germline.
Comment: The p.E2676* pathogenic mutation (also known as c.8026G>T), located in coding exon 54 of the ATM gene, results from a G to T substitution at nucleotide position 8026. This changes the amino acid from a glutamic acid to a stop codon within coding exon 54. This variant is considered to be rare based on population cohorts in the Genome Aggregation Database (gnomAD). This alteration is expected to result in loss of function by premature protein truncation or nonsense-mediated mRNA decay. As such, this alteration is interpreted as a disease-causing mutation.

Literature cited by the submitters: PubMed 23807571 (cited by Labcorp Genetics (formerly Invitae), Labcorp); PubMed 25614872 (cited by Labcorp Genetics (formerly Invitae), Labcorp).

NM_000051.4(ATM):c.8026G>T (p.Glu2676Ter)

Genes: ATM (ATM serine/threonine kinase; plus strand), C11orf65 (chromosome 11 open reading frame 65; minus strand). Cytogenetic location: 11q22.3.
Variant type: single nucleotide variant.
Coding change: c.8026G>T on transcript NM_000051.4 (MANE Select); coding-DNA position 8026, G replaced by T.
Protein change: p.Glu2676Ter; replaces glutamic acid 2676 with a stop codon.
Molecular consequence: nonsense. On other transcripts: intron variant (2).
Genome position (GRCh38, 1-based): chr11:108,334,984, G>T. VCF-style: chr11-108334984-G-T. GRCh37 (hg19) VCF-style: chr11-108205711-G-T.
Other names: c.8026G>T, p.Glu2676Ter (NM_001351834.2); c.641-25913C>A (NM_001330368.2); c.*38+236C>A (NM_001351110.2); short protein forms E2676*.
Identifiers: ClinVar variation 2568180 (VCV002568180.2), dbSNP rs786202859, ClinGen allele CA382561867.